The following is an entry in ClinVar:

ClinVar aggregate classification (germline): Uncertain significance (1 of 4 stars; one submission).

Submission:

GeneDx
Classification: Uncertain significance. Last evaluated: 2025-08-03. Review status: criteria provided, single submitter. Criteria: GeneDx Variant Classification Process June 2021. Collection method: clinical testing. Allele origin: germline. Affected: yes.
Comment: Not observed at significant frequency in large population cohorts (gnomAD); Frameshift variant predicted to result in abnormal protein length as the last 38 amino acids are replaced with 27 different amino acids; Has not been previously published as pathogenic or benign to our knowledge

NM_205861.3(DHDDS):c.886dup (p.Arg296fs)

Gene: DHDDS (dehydrodolichyl diphosphate synthase subunit; plus strand). Cytogenetic location: 1p36.11.
Variant type: Duplication.
Coding change: c.886dup on transcript NM_205861.3 (MANE Select); coding-DNA position 886, one base duplicated (A; older notation c.886dupA).
Protein change: p.Arg296fs; shifts the reading frame from arginine 296.
Molecular consequence: frameshift variant.
Genome position (GRCh38, 1-based): chr1:26,469,015, A duplicated; the last of 2 consecutive A bases (chr1:26,469,014-26,469,015); duplicating either gives the same sequence. VCF-style (leftmost placement, unchanged base first): chr1-26469013-G-GA. GRCh37 (hg19) VCF-style: chr1-26795504-G-GA.
Other names: c.784dup, p.Arg262fs (NM_001243564.2); c.769dup, p.Arg257fs (NM_001243565.2); c.607dup, p.Arg203fs (NM_001319959.2); c.889dup, p.Arg297fs (NM_024887.4); short protein forms R203fs, R257fs, R262fs, R296fs, R297fs.
Identifiers: ClinVar variation 4755791 (VCV004755791.1).